The following is an entry in ClinVar:

ClinVar aggregate classification (germline): Likely pathogenic. Review status: criteria provided, multiple submitters, no conflicts (2 of 4 stars). 2 submissions from 2 submitters: Likely pathogenic (2). Last evaluated 2023-03-27.

Conditions:
Inborn genetic diseases. Identifiers: MedGen C0950123, MeSH D030342.
COG6-related disorder.

Allele frequency attached by ClinVar (database versions not stated): gnomAD 0.00001; gnomAD exomes 0.00001; TOPMed 0.00001.
gnomAD v4.1: 17 of 1,498,292 alleles (0.0011%); highest among the groups gnomAD compares: Non-Finnish European, 0.0015%; no homozygotes.

Submissions (2):

PreventionGenetics, part of Exact Sciences
Classification: Likely pathogenic for COG6-related condition. Last evaluated: 2023-03-27. Review status: criteria provided, single submitter. Criteria: ACMG Guidelines, 2015. Collection method: clinical testing. Allele origin: germline.
Comment: The COG6 c.1166+1G>A variant is predicted to disrupt the GT donor site and interfere with normal splicing. To our knowledge, this variant has not been reported in the literature or in a large population database, indicating this variant is rare. Variants that disrupt the consensus splice donor site in COG6 are expected to be pathogenic. This variant is interpreted as likely pathogenic.

Ambry Genetics
Classification: Likely pathogenic for Inborn genetic diseases. Last evaluated: 2022-06-30. Review status: criteria provided, single submitter. Criteria: Ambry Variant Classification Scheme 2023. Collection method: clinical testing. Allele origin: germline.
Comment: The c.1166+1G>A intronic variant results from a G to A substitution one nucleotide after coding exon 12 of the COG6 gene. Alterations that disrupt the canonical splice site are expected to cause aberrant splicing, resulting in an abnormal protein or a transcript that is subject to nonsense-mediated mRNA decay. This variant was not reported in population-based cohorts in the Genome Aggregation Database (gnomAD). This nucleotide position is highly conserved in available vertebrate species. In silico splice site analysis predicts that this alteration will weaken the native splice donor site. Based on the available evidence, this alteration is classified as likely pathogenic.

NM_020751.3(COG6):c.1166+1G>A

Gene: COG6 (component of oligomeric golgi complex 6; plus strand). Cytogenetic location: 13q14.11.
Variant type: single nucleotide variant.
Coding change: c.1166+1G>A on transcript NM_020751.3 (MANE Select); the canonical splice donor site of the intron after coding-DNA position 1166, G replaced by A.
Molecular consequence: splice donor variant.
Genome position (GRCh38, 1-based): chr13:39,694,726, G>A. VCF-style: chr13-39694726-G-A. GRCh37 (hg19) VCF-style: chr13-40268863-G-A.
Other names: c.1166+1G>A (NM_001145079.2).
Identifiers: ClinVar variation 2219419 (VCV002219419.3), dbSNP rs1453865021, ClinGen allele CA387913883.